The following is an entry in ClinVar:

ClinVar aggregate classification (germline): Likely benign. Review status: criteria provided, multiple submitters, no conflicts (2 of 4 stars). 2 submissions from 2 submitters: Likely benign (2). Last evaluated 2026-01-14.

Conditions:
Peroxisome biogenesis disorder, complementation group 7 (CG7). Also called: Peroxisome biogenesis disorder, complementation group B. Identifiers: MedGen C1864399.
PEX10-related disorder. Also called: PEX10-related condition.

Allele frequency attached by ClinVar (database versions not stated): gnomAD 0.00001.
gnomAD v4.1: 1 of 1,608,710 alleles (0.000062%); highest among the groups gnomAD compares: Non-Finnish European, 0.000085%; no homozygotes.

Submissions (2):

Labcorp Genetics (formerly Invitae), Labcorp
Classification: Likely benign for Peroxisome biogenesis disorder, complementation group 7. Last evaluated: 2026-01-14. Review status: criteria provided, single submitter. Criteria: Invitae Variant Classification Sherloc (09022015). Collection method: clinical testing. Allele origin: germline.

PreventionGenetics, part of Exact Sciences
Classification: Likely benign for PEX10-related condition. Last evaluated: 2024-12-11. Review status: criteria provided, single submitter. Criteria: ACMG Guidelines, 2015. Collection method: clinical testing. Allele origin: germline.
Comment: This variant is classified as likely benign based on ACMG/AMP sequence variant interpretation guidelines (Richards et al. 2015 PMID: 25741868, with internal and published modifications).

NM_002617.4(PEX10):c.776+7G>C

Gene: PEX10 (peroxisomal biogenesis factor 10; minus strand). Cytogenetic location: 1p36.32.
Variant type: single nucleotide variant.
Coding change: c.776+7G>C on transcript NM_002617.4 (MANE Select); 7 bases into the intron after coding-DNA position 776, G replaced by C.
Molecular consequence: intron variant.
Genome position (GRCh38, 1-based): chr1:2,406,713, C>G on the plus strand (G>C on the coding strand, the complement: PEX10 is on the minus strand). VCF-style: chr1-2406713-C-G. GRCh37 (hg19) VCF-style: chr1-2338152-C-G.
Other names: c.344+7G>C (NM_001374427.1); c.401+7G>C (NM_001374426.1); c.833+7G>C (NM_001374425.1); c.836+7G>C (NM_153818.2, NM_153818.1).
Identifiers: ClinVar variation 1549907 (VCV001549907.9), dbSNP rs908929901, ClinGen allele CA16942952.
Genomic context (GRCh38, chr1:2,406,713, plus strand): 5'-GCACCTTACAGGTCCTTGTGAAGTGCCCAGGACACCCCCAGCCCCCATGTGTGGCCCCCG[C>G]ACGCACCTGCGGTGAGACAGGCCGCGGTGCAGCCTCCACTCCTTCCTGGCTCGCTGCCGC-3'